The following is an entry in ClinVar:

NM_001005361.3(DNM2):c.2326C>T (p.His776Tyr)

Gene: DNM2 (dynamin 2; plus strand). Cytogenetic location: 19p13.2.
Variant type: single nucleotide variant.
Coding change: c.2326C>T on transcript NM_001005361.3 (MANE Select); coding-DNA position 2326, C replaced by T.
Protein change: p.His776Tyr; replaces histidine 776 with tyrosine.
Molecular consequence: missense variant.
Genome position (GRCh38, 1-based): chr19:10,830,161, C>T. VCF-style: chr19-10830161-C-T. GRCh37 (hg19) VCF-style: chr19-10940837-C-T.
Other names: c.2326C>T, p.His776Tyr (NM_001005360.3, NM_001190716.2); c.2314C>T, p.His772Tyr (NM_001005362.3, NM_004945.4); short protein forms H772Y, H776Y.
Identifiers: ClinVar variation 1397807 (VCV001397807.8), dbSNP rs762624510, ClinGen allele CA9201592.
Genomic context (GRCh38, chr19:10,830,161, plus strand): 5'-AGCTCACACCCTCTCCTTCCTCACAGCCCCACTCCACAGCGCCGACCGGTGTCCAGCATA[C>T]ACCCCCCTGGCCGGCCCCCAGCAGTGAGGGGCCCCACTCCAGGGCCCCCCCTGATTCCTG-3'
Protein context (NP_001005361.1, residues 766-786): TPQRRPVSSI[His776Tyr]PPGRPPAVRG

ClinVar aggregate classification (germline): Uncertain significance (1 of 4 stars; one submission).

Conditions:
Charcot-Marie-Tooth disease dominant intermediate B (CMTDIB). Also called: CHARCOT-MARIE-TOOTH NEUROPATHY, DOMINANT INTERMEDIATE B; Charcot-Marie-Tooth disease dominant intermediate 1; CMT DI1; Charcot-Marie-Tooth disease dominant intermediate I. Identifiers: Orphanet 100044, Orphanet 228179, MedGen C1847902, MONDO:0011674, OMIM 606482.

Allele frequency attached by ClinVar (database versions not stated): gnomAD exomes below 0.00001; ExAC 0.00001; gnomAD 0.00001.
gnomAD v4.1: 4 of 1,613,732 alleles (0.00025%); highest among the groups gnomAD compares: South Asian, 0.0011%; no homozygotes.

Submission:

Labcorp Genetics (formerly Invitae), Labcorp
Classification: Uncertain significance for Charcot-Marie-Tooth disease dominant intermediate B. Last evaluated: 2022-07-14. Review status: criteria provided, single submitter. Criteria: Invitae Variant Classification Sherloc (09022015). Collection method: clinical testing. Allele origin: germline.
Comment: In summary, the available evidence is currently insufficient to determine the role of this variant in disease. Therefore, it has been classified as a Variant of Uncertain Significance. Algorithms developed to predict the effect of missense changes on protein structure and function (SIFT, PolyPhen-2, Align-GVGD) all suggest that this variant is likely to be tolerated. ClinVar contains an entry for this variant (Variation ID: 1397807). This variant has not been reported in the literature in individuals affected with DNM2-related conditions. This variant is present in population databases (rs762624510, gnomAD 0.0009%). This sequence change replaces histidine, which is basic and polar, with tyrosine, which is neutral and polar, at codon 776 of the DNM2 protein (p.His776Tyr).